The following is an entry in ClinVar:

ClinVar aggregate classification (germline): Likely benign. Review status: criteria provided, multiple submitters, no conflicts (2 of 4 stars). 2 submissions from 2 submitters: Likely benign (2). Last evaluated 2026-05-13.

Conditions:
Inborn genetic diseases. Identifiers: MedGen C0950123, MeSH D030342.

Allele frequency attached by ClinVar (database versions not stated): gnomAD 0.00001; TOPMed 0.00001; ExAC 0.00002.
gnomAD v4.1: 84 of 1,613,886 alleles (0.0052%); highest among the groups gnomAD compares: Non-Finnish European, 0.0065%; no homozygotes.

Submissions (2):

Ambry Genetics
Classification: Likely benign for Inborn genetic diseases. Last evaluated: 2026-05-13. Review status: criteria provided, single submitter. Criteria: Ambry Variant Classification Scheme 2023. Collection method: clinical testing. Allele origin: germline.

CeGaT Center for Human Genetics Tuebingen
Classification: Likely benign. Last evaluated: 2023-10-01. Review status: criteria provided, single submitter. Criteria: CeGaT Center For Human Genetics Tuebingen Variant Classification Criteria Version 2. Collection method: clinical testing. Allele origin: germline. Affected: yes. Observed: 1 variant allele.
Comment: ANKRD11: BP4, BP7

NM_013275.6(ANKRD11):c.291G>T (p.Leu97=)

Gene: ANKRD11 (ankyrin repeat domain 11; minus strand). Cytogenetic location: 16q24.3.
Variant type: single nucleotide variant.
Coding change: c.291G>T on transcript NM_013275.6 (MANE Select); coding-DNA position 291, G replaced by T.
Protein change: p.Leu97=; no amino-acid change (leucine 97 retained).
Molecular consequence: synonymous variant. On other transcripts: non-coding transcript variant (1).
Genome position (GRCh38, 1-based): chr16:89,291,119, C>A on the plus strand (G>T on the coding strand, the complement: ANKRD11 is on the minus strand). VCF-style: chr16-89291119-C-A. GRCh37 (hg19) VCF-style: chr16-89357527-C-A.
Other names: c.291G>T, p.Leu97= (NM_001256182.2, NM_001256183.2).
Identifiers: ClinVar variation 1797696 (VCV001797696.27), dbSNP rs769495308, ClinGen allele CA8243128.